The following is an entry in ClinVar:

NM_000443.4(ABCB4):c.3671G>A (p.Arg1224His)

Gene: ABCB4 (ATP binding cassette subfamily B member 4; minus strand). Cytogenetic location: 7q21.12.
Variant type: single nucleotide variant.
Coding change: c.3671G>A on transcript NM_000443.4 (MANE Select); coding-DNA position 3671, G replaced by A.
Protein change: p.Arg1224His; replaces arginine 1224 with histidine.
Molecular consequence: missense variant.
Genome position (GRCh38, 1-based): chr7:87,402,265, C>T on the plus strand (G>A on the coding strand, the complement: ABCB4 is on the minus strand). VCF-style: chr7-87402265-C-T. GRCh37 (hg19) VCF-style: chr7-87031581-C-T.
Other names: c.3692G>A, p.Arg1231His (NM_018849.3); c.3530G>A, p.Arg1177His (NM_018850.3); c.3671G>A (NM_000443.3); short protein forms R1177H, R1224H, R1231H.
Identifiers: ClinVar variation 1392644 (VCV001392644.8), dbSNP rs144790968, ClinGen allele CA4326713.

ClinVar aggregate classification (germline): Uncertain significance. Review status: criteria provided, multiple submitters, no conflicts (2 of 4 stars). 4 submissions from 4 submitters: Uncertain significance (4). Last evaluated 2026-07-20.

Conditions:
ABCB4-related disorder. Also called: ABCB4-related disorders; ABCB4-related condition.
Low phospholipid associated cholelithiasis (GBD1). Also called: Gallstone cholecystitis; Gallbladder disease 1. Identifiers: Orphanet 69663, MedGen C2609268, MONDO:0010939, OMIM 600803.
Familial intrahepatic cholestasis. Identifiers: Orphanet 284385, MedGen CN296401, MONDO:0017290.
Inborn genetic diseases. Identifiers: MedGen C0950123, MeSH D030342.

Allele frequency attached by ClinVar (database versions not stated): gnomAD exomes 0.00001 and 0.00003; ExAC 0.00005; TOPMed 0.00007; ESP Exome Variant Server 0.00008; gnomAD 0.00011 and 0.00012.
gnomAD v4.1: 39 of 1,613,908 alleles (0.0024%); highest among the groups gnomAD compares: African/African-American, 0.032%; no homozygotes.

Submissions (4):

PreventionGenetics, part of Exact Sciences
Classification: Uncertain significance for ABCB4-related condition. Last evaluated: 2026-07-20. Review status: criteria provided, single submitter. Criteria: ACMG Guidelines, 2015. Collection method: clinical testing. Allele origin: germline.
Comment: The ABCB4 c.3671G>A variant is predicted to result in the amino acid substitution p.Arg1224His. This variant has been reported, along with variants in two other genes, in an individual from a cohort of pediatric patients with hepatoblastoma (patient 9 in Table S6, Aguiaret al. 2022. PubMed ID: 35495172). This variant is reported in 0.032% of alleles in individuals of African descent in gnomAD. At this time, the clinical significance of this variant is uncertain due to the absence of conclusive functional and genetic evidence.

Genomenon, Inc
Classification: Uncertain significance for Familial intrahepatic cholestasis; Low phospholipid associated cholelithiasis. Last evaluated: 2026-04-14. Review status: criteria provided, single submitter. Criteria: Genomenon Sequence Variant Interpretation Standards - Updated. Collection method: curation. Allele origin: germline. Affected: no.
Comment: ABCB4 p.Arg1224His (c.3671G>A) is a missense variant that changes the amino acid at residue 1224 from Arginine to Histidine. This variant has been reported in the published literature (PMID:37208429). It is absent or not present at a significant frequency in gnomAD. In silico models predict that this variant is possibly or probably damaging. In conclusion, we classify ABCB4 p.Arg1224His (c.3671G>A) as a variant of uncertain significance.

Labcorp Genetics (formerly Invitae), Labcorp
Classification: Uncertain significance. Last evaluated: 2022-09-27. Review status: criteria provided, single submitter. Criteria: Invitae Variant Classification Sherloc (09022015). Collection method: clinical testing. Allele origin: germline.
Comment: This sequence change replaces arginine, which is basic and polar, with histidine, which is basic and polar, at codon 1224 of the ABCB4 protein (p.Arg1224His). This variant is present in population databases (rs144790968, gnomAD 0.03%). This variant has not been reported in the literature in individuals affected with ABCB4-related conditions. ClinVar contains an entry for this variant (Variation ID: 1392644). Algorithms developed to predict the effect of missense changes on protein structure and function (SIFT, PolyPhen-2, Align-GVGD) all suggest that this variant is likely to be disruptive. In summary, the available evidence is currently insufficient to determine the role of this variant in disease. Therefore, it has been classified as a Variant of Uncertain Significance.

Ambry Genetics
Classification: Uncertain significance for Inborn genetic diseases. Last evaluated: 2021-08-10. Review status: criteria provided, single submitter. Criteria: Ambry Variant Classification Scheme 2023. Collection method: clinical testing. Allele origin: germline.

Literature cited by the submitters: PubMed 37208429 (cited by Genomenon, Inc).